The following is an entry in ClinVar:

NM_005045.4(RELN):c.9620G>A (p.Arg3207His)

Genes: RELN (reelin; minus strand), SLC26A5-AS1 (SLC26A5 antisense RNA 1; plus strand), LOC126860130 (BRD4-independent group 4 enhancer GRCh37_chr7:103130126-103131325; plus strand). Cytogenetic location: 7q22.1.
Variant type: single nucleotide variant.
Coding change: c.9620G>A on transcript NM_005045.4 (MANE Select); coding-DNA position 9620, G replaced by A.
Protein change: p.Arg3207His; replaces arginine 3207 with histidine.
Molecular consequence: missense variant.
Genome position (GRCh38, 1-based): chr7:103,489,885, C>T on the plus strand (G>A on the coding strand, the complement: RELN is on the minus strand). VCF-style: chr7-103489885-C-T. GRCh37 (hg19) VCF-style: chr7-103130332-C-T.
Other names: c.9620G>A, p.Arg3207His (NM_173054.3); short protein forms R3207H.
Identifiers: ClinVar variation 598368 (VCV000598368.17), dbSNP rs992226248, ClinGen allele CA163904120.

ClinVar aggregate classification (germline): Uncertain significance. Review status: criteria provided, multiple submitters, no conflicts (2 of 4 stars). 4 submissions from 4 submitters: Uncertain significance (4). Last evaluated 2023-07-26.

Conditions:
Norman-Roberts syndrome (LIS2). Also called: Lissencephaly 2 (Norman-Roberts type). Identifiers: Orphanet 89844, MedGen C0796089, MONDO:0009760, OMIM 257320.
Familial temporal lobe epilepsy 7. Identifiers: Orphanet 101046, MedGen C4225327, MONDO:0014639, OMIM 616436.

Allele frequency attached by ClinVar (database versions not stated): TOPMed below 0.00001; gnomAD exomes 0.00001.
gnomAD v4.1: 10 of 1,614,098 alleles (0.00062%); highest among the groups gnomAD compares: African/African-American, 0.0013%; no homozygotes.

Submissions (4):

Greenwood Genetic Center Diagnostic Laboratories, Greenwood Genetic Center
Classification: Uncertain significance. Last evaluated: 2023-07-26. Review status: criteria provided, single submitter. Criteria: ACMG Guidelines, 2015. Collection method: clinical testing. Allele origin: germline. Affected: yes.
Comment: PM2

Blueprint Genetics
Classification: Uncertain significance. Last evaluated: 2021-09-14. Review status: criteria provided, single submitter. Criteria: ACMG Guidelines, 2015. Collection method: clinical testing. Allele origin: germline.

Labcorp Genetics (formerly Invitae), Labcorp
Classification: Uncertain significance for Familial temporal lobe epilepsy 7; Norman-Roberts syndrome. Last evaluated: 2020-02-06. Review status: criteria provided, single submitter. Criteria: Invitae Variant Classification Sherloc (09022015). Collection method: clinical testing. Allele origin: germline.
Comment: In summary, the available evidence is currently insufficient to determine the role of this variant in disease. Therefore, it has been classified as a Variant of Uncertain Significance. Algorithms developed to predict the effect of missense changes on protein structure and function are either unavailable or do not agree on the potential impact of this missense change (SIFT: "Deleterious"; PolyPhen-2: "Possibly Damaging"; Align-GVGD: "Class C0"). This variant has not been reported in the literature in individuals with RELN-related conditions. ClinVar contains an entry for this variant (Variation ID: 598368). This variant is not present in population databases (ExAC no frequency). This sequence change replaces arginine with histidine at codon 3207 of the RELN protein (p.Arg3207His). The arginine residue is moderately conserved and there is a small physicochemical difference between arginine and histidine.

Eurofins Ntd Llc (ga)
Classification: Uncertain significance. Last evaluated: 2018-08-21. Review status: criteria provided, single submitter. Criteria: EGL ClinVar v180209 classification definitions. Collection method: clinical testing. Allele origin: germline. Observed: 1 variant allele, 1 heterozygote.